The following is an entry in ClinVar:

ClinVar aggregate classification (germline): Uncertain significance (1 of 4 stars; one submission).

Conditions:
Propionic acidemia (PROP). Also called: GLYCINEMIA, KETOTIC; HYPERGLYCINEMIA WITH KETOACIDOSIS AND LEUKOPENIA; KETOTIC HYPERGLYCINEMIA. Identifiers: Orphanet 35, MedGen C0268579, MONDO:0011628, OMIM 606054, HP:0003571.

gnomAD v4.1: 3 of 1,614,120 alleles (0.00019%); highest among the groups gnomAD compares: South Asian, 0.0011%; no homozygotes.

Submission:

Labcorp Genetics (formerly Invitae), Labcorp
Classification: Uncertain significance for Propionic acidemia. Last evaluated: 2024-11-03. Review status: criteria provided, single submitter. Criteria: Invitae Variant Classification Sherloc (09022015). Collection method: clinical testing. Allele origin: germline.
Comment: This sequence change replaces arginine, which is basic and polar, with proline, which is neutral and non-polar, at codon 289 of the PCCB protein (p.Arg289Pro). This variant is present in population databases (rs532142254, gnomAD 0.003%). This missense change has been observed in individual(s) with propionic acidemia (PMID: 30705822). ClinVar contains an entry for this variant (Variation ID: 2159408). Invitae Evidence Modeling of protein sequence and biophysical properties (such as structural, functional, and spatial information, amino acid conservation, physicochemical variation, residue mobility, and thermodynamic stability) has been performed for this missense variant. However, the output from this modeling did not meet the statistical confidence thresholds required to predict the impact of this variant on PCCB protein function. In summary, the available evidence is currently insufficient to determine the role of this variant in disease. Therefore, it has been classified as a Variant of Uncertain Significance.

Literature cited by the submitters: PubMed 30705822.

NM_000532.5(PCCB):c.866G>C (p.Arg289Pro)

Gene: PCCB (propionyl-CoA carboxylase subunit beta; plus strand). Cytogenetic location: 3q22.3.
Variant type: single nucleotide variant.
Coding change: c.866G>C on transcript NM_000532.5 (MANE Select); coding-DNA position 866, G replaced by C.
Protein change: p.Arg289Pro; replaces arginine 289 with proline.
Molecular consequence: missense variant.
Genome position (GRCh38, 1-based): chr3:136,298,054, G>C. VCF-style: chr3-136298054-G-C. GRCh37 (hg19) VCF-style: chr3-136016896-G-C.
Other names: c.926G>C, p.Arg309Pro (NM_001178014.2); short protein forms R289P, R309P.
Identifiers: ClinVar variation 2159408 (VCV002159408.2), dbSNP rs532142254, ClinGen allele CA2631897.